The following is an entry in ClinVar:

ClinVar aggregate classification (germline): Pathogenic (1 of 4 stars; one submission).

Conditions:
Abetalipoproteinaemia (ABL). Also called: MTP DEFICIENCY; Abetalipoproteinemia; Abetalipoproteinemia neuropathy; Apolipoprotein B deficiency; Congenital betalipoprotein deficiency syndrome. Identifiers: Orphanet 14, MedGen C0000744, MONDO:0008692, OMIM 200100, HP:0008181.

Submission:

3billion
Classification: Pathogenic for Abetalipoproteinaemia. Last evaluated: 2025-09-18. Review status: criteria provided, single submitter. Criteria: ACMG Guidelines, 2015. Collection method: clinical testing. Allele origin: germline. Affected: yes.
Comment: The variant is not observed in the gnomAD v4.1.0 dataset. Predicted Consequence/Location: Frameshift: predicted to result in a loss or disruption of normal protein function through nonsense-mediated decay (NMD) or protein truncation. Multiple pathogenic variants are reported downstream of the variant. Therefore, this variant is classified as Pathogenic according to the recommendation of ACMG/AMP guideline.

NM_001386140.1(MTTP):c.706_709del (p.His236fs)

Gene: MTTP (microsomal triglyceride transfer protein; plus strand). Cytogenetic location: 4q23.
Variant type: Microsatellite.
Coding change: c.706_709del on transcript NM_001386140.1 (MANE Select); coding-DNA positions 706 to 709, 4 bases deleted (CACA; older notation c.706_709delCACA).
Protein change: p.His236fs; shifts the reading frame from histidine 236.
Molecular consequence: frameshift variant.
Genome position (GRCh38, 1-based): chr4:99,591,738-99,591,741, CACA deleted; deleting any 4 consecutive bases within chr4:99,591,735-99,591,741 gives the same sequence; the c. name uses the placement nearest the transcript's 3' end. VCF-style (leftmost placement, unchanged base first): chr4-99591734-AACAC-A. GRCh37 (hg19) VCF-style: chr4-100512891-AACAC-A.
Other names: c.706_709del, p.His236fs (NM_000253.4); c.457_460del, p.His153fs (NM_001300785.2); short protein forms H153fs, H236fs.
Identifiers: ClinVar variation 4856126 (VCV004856126.1).